The following is an entry in ClinVar:

ClinVar aggregate classification (germline): Benign/Likely benign. Review status: criteria provided, multiple submitters, no conflicts (2 of 4 stars). 3 submissions from 3 submitters: Benign (1); Likely benign (2). Last evaluated 2025-07-20.

Conditions:
Hereditary cancer-predisposing syndrome. Also called: Hereditary neoplastic syndrome; Hereditary Cancer Syndrome; Tumor predisposition; Neoplastic Syndromes, Hereditary. Identifiers: Orphanet 140162, MedGen C0027672, MeSH D009386, MONDO:0015356.
Tuberous sclerosis 2 (TSC2). Identifiers: Orphanet 805, MedGen C1860707, MONDO:0013199, OMIM 613254.

Allele frequency attached by ClinVar (database versions not stated): ExAC 0.00002.
gnomAD v4.1: 9 of 1,613,434 alleles (0.00056%); highest among the groups gnomAD compares: South Asian, 0.0099%; 1 homozygote.

Submissions (3):

Labcorp Genetics (formerly Invitae), Labcorp
Classification: Likely benign for Tuberous sclerosis 2. Last evaluated: 2025-07-20. Review status: criteria provided, single submitter. Criteria: Invitae Variant Classification Sherloc (09022015). Collection method: clinical testing. Allele origin: germline.

Myriad Genetics, Inc.
Classification: Benign for Tuberous sclerosis 2. Last evaluated: 2025-05-19. Review status: criteria provided, single submitter. Criteria: Myriad Autosomal Dominant, Autosomal Recessive and X-Linked Classification Criteria (2023). Collection method: clinical testing. Allele origin: unknown.
Comment: This variant is considered benign. This variant is a silent/synonymous amino acid change and it is not expected to impact splicing.

Ambry Genetics
Classification: Likely benign for Hereditary cancer-predisposing syndrome. Last evaluated: 2022-12-17. Review status: criteria provided, single submitter. Criteria: Ambry Variant Classification Scheme 2023. Collection method: clinical testing. Allele origin: germline.

NM_000548.5(TSC2):c.2256C>A (p.Gly752=)

Gene: TSC2 (TSC complex subunit 2; plus strand). Cytogenetic location: 16p13.3.
Variant type: single nucleotide variant.
Coding change: c.2256C>A on transcript NM_000548.5 (MANE Select); coding-DNA position 2256, C replaced by A.
Protein change: p.Gly752=; no amino-acid change (glycine 752 retained).
Molecular consequence: synonymous variant.
Genome position (GRCh38, 1-based): chr16:2,072,884, C>A. VCF-style: chr16-2072884-C-A. GRCh37 (hg19) VCF-style: chr16-2122885-C-A.
Other names: c.2256C>A, p.Gly752= (NM_001077183.3, NM_001114382.3, NM_001363528.2 and 3 more transcripts); c.2145C>A, p.Gly715= (NM_001318827.2); c.2109C>A, p.Gly703= (NM_001318829.2); c.1656C>A, p.Gly552= (NM_001318831.2); c.2289C>A, p.Gly763= (NM_001318832.2); c.2256C>A (NM_000548.3).
Identifiers: ClinVar variation 1672918 (VCV001672918.11), dbSNP rs778981034, ClinGen allele CA037959.